The following is an entry in ClinVar:

NM_000179.3(MSH6):c.4068_4072dup (p.Lys1358fs)

Gene: MSH6 (mutS homolog 6; plus strand). Cytogenetic location: 2p16.3.
Variant type: Duplication.
Coding change: c.4068_4072dup on transcript NM_000179.3 (MANE Select); coding-DNA positions 4068 to 4072, 5 bases duplicated (GATTA; older notation c.4068_4072dupGATTA).
Protein change: p.Lys1358fs; shifts the reading frame from lysine 1358.
Molecular consequence: frameshift variant.
Genome position (GRCh38, 1-based): chr2:47,806,845-47,806,849, GATTA duplicated. VCF-style (leftmost placement, unchanged base first): chr2-47806844-T-TGATTA. GRCh37 (hg19) VCF-style: chr2-48033983-T-TGATTA.
Other names: c.3678_3682dup, p.Lys1228fs (NM_001281492.2); c.3162_3166dup, p.Lys1056fs (NM_001281493.2, NM_001281494.2); c.4164_4168dup, p.Lys1390Argfs (NM_001406795.1); c.4068_4072dup, p.Lys1358Argfs (NM_001406796.1, NM_001406809.1); c.3771_3775dup, p.Lys1259Argfs (NM_001406797.1, NM_001406805.1, NM_001406818.1 and 8 more transcripts); c.3894_3898dup, p.Lys1300Argfs (NM_001406798.1); c.3543_3547dup, p.Lys1183Argfs (NM_001406799.1, NM_001406806.1, NM_001406807.1); c.*89_*93dup (NM_001406800.1); and 10 more; short protein forms K1228fs, K1056fs, K1358fs.
Identifiers: ClinVar variation 1992733 (VCV001992733.4), dbSNP rs2530899010, ClinGen allele CA2580067603.

ClinVar aggregate classification (germline): Uncertain significance (1 of 4 stars; one submission).

Conditions:
Hereditary nonpolyposis colorectal neoplasms. Identifiers: MedGen C0009405, MeSH D003123.

Submission:

Labcorp Genetics (formerly Invitae), Labcorp
Classification: Uncertain significance for Hereditary nonpolyposis colorectal neoplasms. Last evaluated: 2022-05-10. Review status: criteria provided, single submitter. Criteria: Invitae Variant Classification Sherloc (09022015). Collection method: clinical testing. Allele origin: germline.
Comment: This sequence change results in a frameshift in the MSH6 gene (p.Lys1358Argfs*15). While this is not anticipated to result in nonsense mediated decay, it is expected to disrupt the last 3 amino acid(s) of the MSH6 protein and extend the protein by 11 additional amino acid residues. This variant is not present in population databases (gnomAD no frequency). This variant has not been reported in the literature in individuals affected with MSH6-related conditions. Algorithms developed to predict the effect of sequence changes on RNA splicing suggest that this variant may disrupt the consensus splice site. In summary, the available evidence is currently insufficient to determine the role of this variant in disease. Therefore, it has been classified as a Variant of Uncertain Significance.